The following is an entry in ClinVar:

ClinVar aggregate classification (germline): Conflicting classifications of pathogenicity. Review status: criteria provided, conflicting classifications (1 of 4 stars). 2 submissions from 2 submitters: Likely pathogenic (1); Uncertain significance (1). Last evaluated 2024-09-04.

Conditions:
MYO6-related disorder. Also called: MYO6-related condition; MYO6-related disorders.

Allele frequency attached by ClinVar (database versions not stated): gnomAD exomes below 0.00001; ExAC 0.00001; ESP Exome Variant Server 0.00008.

Submissions (2):

GeneDx
Classification: Uncertain significance. Last evaluated: 2024-09-04. Review status: criteria provided, single submitter. Criteria: GeneDx Variant Classification Process June 2021. Collection method: clinical testing. Allele origin: germline.
Comment: Previously reported in one individual with non-syndromic hearing loss (PMID: 33297549); Nonsense variant predicted to result in protein truncation or nonsense mediated decay in a gene for which loss of function is a known mechanism of disease; This variant is associated with the following publications: (PMID: 33297549)

Blueprint Genetics
Classification: Likely pathogenic for MYO6-related disorders. Last evaluated: 2019-01-02. Review status: criteria provided, single submitter. Criteria: ACMG Guidelines, 2015. Collection method: clinical testing. Allele origin: germline. Affected: yes. Observed: 1 variant allele.

NM_004999.4(MYO6):c.1666C>T (p.Arg556Ter)

Gene: MYO6 (myosin VI; plus strand). Cytogenetic location: 6q14.1.
Variant type: single nucleotide variant.
Coding change: c.1666C>T on transcript NM_004999.4 (MANE Select); coding-DNA position 1666, C replaced by T.
Protein change: p.Arg556Ter; replaces arginine 556 with a stop codon.
Molecular consequence: nonsense. On other transcripts: non-coding transcript variant (1).
Genome position (GRCh38, 1-based): chr6:75,862,715, C>T. VCF-style: chr6-75862715-C-T. GRCh37 (hg19) VCF-style: chr6-76572432-C-T.
Other names: c.1666C>T, p.Arg556Ter (NM_001300899.2, NM_001368136.1, NM_001368137.1 and 2 more transcripts); c.1651C>T, p.Arg551Ter (NM_001368138.1); short protein forms R551*, R556*.
Identifiers: ClinVar variation 3253506 (VCV003253506.3), dbSNP rs369889326.